The following is an entry in ClinVar:

ClinVar aggregate classification (germline): Pathogenic. Review status: criteria provided, multiple submitters, no conflicts (2 of 4 stars). 3 submissions from 3 submitters: Pathogenic (2). 1 of the submissions does not count toward it. Last evaluated 2024-04-22.

Conditions:
Hereditary cancer-predisposing syndrome. Also called: Hereditary Cancer Syndrome; Neoplastic Syndromes, Hereditary; Tumor predisposition; Hereditary neoplastic syndrome. Identifiers: Orphanet 140162, MedGen C0027672, MeSH D009386, MONDO:0015356.
Ataxia-telangiectasia syndrome (AT). Also called: Ataxia telangiectasia (A-T); Ataxia-telangiectasia, complementation group E; LOUIS-BAR SYNDROME; Cerebello-oculocutaneous telangiectasia; Immunodeficiency with ataxia telangiectasia; Ataxia-telangiectasia, complementation group D. Identifiers: Orphanet 100, MedGen C0004135, MONDO:0008840, OMIM 208900.
Breast carcinoma. Also called: Carcinoma of breast. Identifiers: MedGen C0678222, MONDO:0004989, HP:0003002.

Submissions (3):

Labcorp Genetics (formerly Invitae), Labcorp
Classification: Pathogenic for Ataxia-telangiectasia syndrome. Last evaluated: 2024-04-22. Review status: criteria provided, single submitter. Criteria: Invitae Variant Classification Sherloc (09022015). Collection method: clinical testing. Allele origin: germline.
Comment: This sequence change creates a premature translational stop signal (p.Gly833*) in the ATM gene. It is expected to result in an absent or disrupted protein product. Loss-of-function variants in ATM are known to be pathogenic (PMID: 23807571, 25614872). This variant is not present in population databases (gnomAD no frequency). This variant has not been reported in the literature in individuals affected with ATM-related conditions. ClinVar contains an entry for this variant (Variation ID: 230843). For these reasons, this variant has been classified as Pathogenic.

Ambry Genetics
Classification: Pathogenic for Hereditary cancer-predisposing syndrome. Last evaluated: 2023-01-20. Review status: criteria provided, single submitter. Criteria: Ambry Variant Classification Scheme 2023. Collection method: clinical testing. Allele origin: germline.
Comment: The p.G833* pathogenic mutation (also known as c.2497G>T), located in coding exon 16 of the ATM gene, results from a G to T substitution at nucleotide position 2497. This changes the amino acid from a glycine to a stop codon within coding exon 16. This variant is considered to be rare based on population cohorts in the Genome Aggregation Database (gnomAD). This alteration is expected to result in loss of function by premature protein truncation or nonsense-mediated mRNA decay. As such, this alteration is interpreted as a disease-causing mutation.

Medical Genetics Laboratory, Umraniye Training and Research Hospital, University of Health Sciences
Classification: Pathogenic for Breast carcinoma. Last evaluated: 2021-08-10. Review status: no assertion criteria provided. Collection method: clinical testing. Allele origin: germline. Inheritance: Autosomal dominant inheritance. Affected: yes. Observed: 1 variant allele, 1 heterozygote. Not counted in ClinVar's aggregate classification.

Literature cited by the submitters: PubMed 23807571 (cited by Labcorp Genetics (formerly Invitae), Labcorp); PubMed 25614872 (cited by Labcorp Genetics (formerly Invitae), Labcorp).

NM_000051.4(ATM):c.2497G>T (p.Gly833Ter)

Gene: ATM (ATM serine/threonine kinase; plus strand). Cytogenetic location: 11q22.3.
Variant type: single nucleotide variant.
Coding change: c.2497G>T on transcript NM_000051.4 (MANE Select); coding-DNA position 2497, G replaced by T.
Protein change: p.Gly833Ter; replaces glycine 833 with a stop codon.
Molecular consequence: nonsense.
Genome position (GRCh38, 1-based): chr11:108,267,201, G>T. VCF-style: chr11-108267201-G-T. GRCh37 (hg19) VCF-style: chr11-108137928-G-T.
Other names: c.2497G>T, p.Gly833Ter (NM_001351834.2); short protein forms G833*.
Identifiers: ClinVar variation 230843 (VCV000230843.15), dbSNP rs876658804, ClinGen allele CA10579056.